The following is an entry in ClinVar:

ClinVar aggregate classification (germline): Uncertain significance (1 of 4 stars; one submission).

Conditions:
Familial thoracic aortic aneurysm and aortic dissection (TAAD). Also called: Thoracic aortic aneurysms and dissections. Identifiers: Orphanet 91387, MedGen C4707243, MONDO:0019625.

gnomAD v4.1: 4 of 1,614,176 alleles (0.00025%); highest among the groups gnomAD compares: South Asian, 0.0044%; no homozygotes.

Submission:

Ambry Genetics
Classification: Uncertain significance for Familial thoracic aortic aneurysm and aortic dissection. Last evaluated: 2026-05-14. Review status: criteria provided, single submitter. Criteria: Ambry Variant Classification Scheme 2023. Collection method: clinical testing. Allele origin: germline.
Comment: The p.S1027F variant (also known as c.3080C>T), located in coding exon 42 of the COL3A1 gene, results from a C to T substitution at nucleotide position 3080. The serine at codon 1027 is replaced by phenylalanine, an amino acid with highly dissimilar properties. This amino acid position is conserved. In addition, the in silico prediction for this alteration is inconclusive. Based on the available evidence, the clinical significance of this variant remains unclear.

NM_000090.4(COL3A1):c.3080C>T (p.Ser1027Phe)

Gene: COL3A1 (collagen type III alpha 1 chain; plus strand). Cytogenetic location: 2q32.2.
Variant type: single nucleotide variant.
Coding change: c.3080C>T on transcript NM_000090.4 (MANE Select); coding-DNA position 3080, C replaced by T.
Protein change: p.Ser1027Phe; replaces serine 1027 with phenylalanine.
Molecular consequence: missense variant.
Genome position (GRCh38, 1-based): chr2:189,006,246, C>T. VCF-style: chr2-189006246-C-T. GRCh37 (hg19) VCF-style: chr2-189870972-C-T.
Other names: short protein forms S1027F.
Identifiers: ClinVar variation 4869171 (VCV004869171.1).